The following is an entry in ClinVar:

NM_000123.4(ERCC5):c.1528C>T (p.His510Tyr)

Genes: ERCC5 (ERCC excision repair 5, endonuclease; plus strand), BIVM-ERCC5 (BIVM-ERCC5 readthrough; plus strand). Cytogenetic location: 13q33.1.
Variant type: single nucleotide variant.
Coding change: c.1528C>T on transcript NM_000123.4 (MANE Select); coding-DNA position 1528, C replaced by T.
Protein change: p.His510Tyr; replaces histidine 510 with tyrosine.
Molecular consequence: missense variant.
Genome position (GRCh38, 1-based): chr13:102,862,677, C>T. VCF-style: chr13-102862677-C-T. GRCh37 (hg19) VCF-style: chr13-103515027-C-T.
Other names: c.2890C>T, p.His964Tyr (NM_001204425.2); short protein forms H510Y, H964Y.
Identifiers: ClinVar variation 1692177 (VCV001692177.1), dbSNP rs965674226, ClinGen allele CA255225166.

ClinVar aggregate classification (germline): Uncertain significance (1 of 4 stars; one submission).

Conditions:
Hereditary cancer-predisposing syndrome. Also called: Hereditary Cancer Syndrome; Hereditary neoplastic syndrome; Neoplastic Syndromes, Hereditary; Tumor predisposition. Identifiers: Orphanet 140162, MedGen C0027672, MeSH D009386, MONDO:0015356.

Allele frequency attached by ClinVar (database versions not stated): gnomAD exomes 0.00001 and 0.00002; gnomAD 0.00002 and 0.00003; TOPMed 0.00005.
gnomAD v4.1: 11 of 1,614,176 alleles (0.00068%); highest among the groups gnomAD compares: Middle Eastern, 0.016%; no homozygotes.

Submission:

Sema4
Classification: Uncertain significance for Hereditary cancer-predisposing syndrome. Last evaluated: 2021-10-25. Review status: criteria provided, single submitter. Criteria: Sema4 Curation Guidelines. Collection method: curation. Allele origin: germline.
Comment: The ERCC5 c.1528C>T (p.H510Y) variant has not been reported in the literature to our knowledge. This variant was observed in 4/35434 chromosomes in the Latino population according to the Genome Aggregation Database (PMID: 32461654). This variant has not been reported in ClinVar. In silico tools suggest the impact of the variant on protein function is benign, though these predictions have not been confirmed by functional studies. The evidence is insufficient to meet ACMG/AMP criteria for classifying the variant as benign or pathogenic. Thus, the clinical significance of this variant is currently uncertain.